The following is an entry in ClinVar:

ClinVar aggregate classification (germline): Uncertain significance (1 of 4 stars; one submission).

Allele frequency attached by ClinVar (database versions not stated): ExAC 0.00001; gnomAD exomes 0.00001; TOPMed 0.00001.

Submission:

Labcorp Genetics (formerly Invitae), Labcorp
Classification: Uncertain significance. Last evaluated: 2022-07-04. Review status: criteria provided, single submitter. Criteria: Invitae Variant Classification Sherloc (09022015). Collection method: clinical testing. Allele origin: germline.
Comment: This variant has not been reported in the literature in individuals affected with AXL-related conditions. This variant is present in population databases (rs760069709, gnomAD 0.009%). This sequence change replaces methionine, which is neutral and non-polar, with valine, which is neutral and non-polar, at codon 824 of the AXL protein (p.Met824Val). Algorithms developed to predict the effect of missense changes on protein structure and function are either unavailable or do not agree on the potential impact of this missense change (SIFT: "Deleterious"; PolyPhen-2: "Probably Damaging"; Align-GVGD: "Class C15"). In summary, the available evidence is currently insufficient to determine the role of this variant in disease. Therefore, it has been classified as a Variant of Uncertain Significance.

NM_021913.5(AXL):c.2470A>G (p.Met824Val)

Gene: AXL (AXL receptor tyrosine kinase; plus strand). Cytogenetic location: 19q13.2.
Variant type: single nucleotide variant.
Coding change: c.2470A>G on transcript NM_021913.5 (MANE Select); coding-DNA position 2470, A replaced by G.
Protein change: p.Met824Val; replaces methionine 824 with valine.
Molecular consequence: missense variant.
Genome position (GRCh38, 1-based): chr19:41,259,689, A>G. VCF-style: chr19-41259689-A-G. GRCh37 (hg19) VCF-style: chr19-41765594-A-G.
Other names: c.1666A>G, p.Met556Val (NM_001278599.2); c.2443A>G, p.Met815Val (NM_001699.6); short protein forms M815V, M556V, M824V.
Identifiers: ClinVar variation 1929889 (VCV001929889.5), dbSNP rs760069709, ClinGen allele CA9458715.